The following is an entry in ClinVar:

ClinVar aggregate classification (germline): Uncertain significance (1 of 4 stars; one submission).

Conditions:
Congenital contractural arachnodactyly (CCA). Also called: BEALS SYNDROME; Beals-Hecht syndrome; Arthrogryposis, distal, type 9. Identifiers: Orphanet 115, MedGen C0220668, MONDO:0007363, OMIM 121050.

gnomAD v4.1: 4 of 1,613,170 alleles (0.00025%); highest among the groups gnomAD compares: Admixed American, 0.0017%; no homozygotes.

Submission:

Labcorp Genetics (formerly Invitae), Labcorp
Classification: Uncertain significance for Congenital contractural arachnodactyly. Last evaluated: 2023-12-30. Review status: criteria provided, single submitter. Criteria: Invitae Variant Classification Sherloc (09022015). Collection method: clinical testing. Allele origin: germline.
Comment: This sequence change replaces glycine, which is neutral and non-polar, with valine, which is neutral and non-polar, at codon 2553 of the FBN2 protein (p.Gly2553Val). This variant is present in population databases (rs764514988, gnomAD 0.003%). This variant has not been reported in the literature in individuals affected with FBN2-related conditions. Advanced modeling of protein sequence and biophysical properties (such as structural, functional, and spatial information, amino acid conservation, physicochemical variation, residue mobility, and thermodynamic stability) has been performed at Invitae for this missense variant, however the output from this modeling did not meet the statistical confidence thresholds required to predict the impact of this variant on FBN2 protein function. In summary, the available evidence is currently insufficient to determine the role of this variant in disease. Therefore, it has been classified as a Variant of Uncertain Significance.

NM_001999.4(FBN2):c.7658G>T (p.Gly2553Val)

Gene: FBN2 (fibrillin 2; minus strand). Cytogenetic location: 5q23.3.
Variant type: single nucleotide variant.
Coding change: c.7658G>T on transcript NM_001999.4 (MANE Select); coding-DNA position 7658, G replaced by T.
Protein change: p.Gly2553Val; replaces glycine 2553 with valine.
Molecular consequence: missense variant.
Genome position (GRCh38, 1-based): chr5:128,274,620, C>A on the plus strand (G>T on the coding strand, the complement: FBN2 is on the minus strand). VCF-style: chr5-128274620-C-A. GRCh37 (hg19) VCF-style: chr5-127610312-C-A.
Other names: short protein forms G2553V.
Identifiers: ClinVar variation 3007607 (VCV003007607.3), dbSNP rs764514988, ClinGen allele CA3394056.